The following is an entry in ClinVar:

NM_178452.6(DNAAF1):c.683C>T (p.Ser228Leu)

Gene: DNAAF1 (dynein axonemal assembly factor 1; plus strand). Cytogenetic location: 16q24.1.
Variant type: single nucleotide variant.
Coding change: c.683C>T on transcript NM_178452.6 (MANE Select); coding-DNA position 683, C replaced by T.
Protein change: p.Ser228Leu; replaces serine 228 with leucine.
Molecular consequence: missense variant.
Genome position (GRCh38, 1-based): chr16:84,155,691, C>T. VCF-style: chr16-84155691-C-T. GRCh37 (hg19) VCF-style: chr16-84189296-C-T.
Other names: short protein forms S228L.
Identifiers: ClinVar variation 1503143 (VCV001503143.7), dbSNP rs775622753, ClinGen allele CA8202568.

ClinVar aggregate classification (germline): Conflicting classifications of pathogenicity. Review status: criteria provided, conflicting classifications (1 of 4 stars). 2 submissions from 2 submitters: Likely pathogenic (1); Uncertain significance (1). Last evaluated 2023-07-19.

Conditions:
DNAAF1-related disorders.
Primary ciliary dyskinesia. Also called: Ciliary dyskinesia. Identifiers: Orphanet 244, MedGen C0008780, MONDO:0016575, HP:0012265.

Allele frequency attached by ClinVar (database versions not stated): ExAC 0.00001; gnomAD 0.00001; gnomAD exomes 0.00001; TOPMed 0.00001.
gnomAD v4.1: 13 of 1,613,984 alleles (0.00081%); highest among the groups gnomAD compares: African/African-American, 0.0053%; no homozygotes.

Submissions (2):

Labcorp Genetics (formerly Invitae), Labcorp
Classification: Uncertain significance for Primary ciliary dyskinesia. Last evaluated: 2023-07-19. Review status: criteria provided, single submitter. Criteria: Invitae Variant Classification Sherloc (09022015). Collection method: clinical testing. Allele origin: germline.
Comment: This sequence change replaces serine, which is neutral and polar, with leucine, which is neutral and non-polar, at codon 228 of the DNAAF1 protein (p.Ser228Leu). This variant is present in population databases (rs775622753, gnomAD 0.003%). This missense change has been observed in individual(s) with primary ciliary dyskinesia (PMID: 34556108). ClinVar contains an entry for this variant (Variation ID: 1503143). An algorithm developed to predict the effect of missense changes on protein structure and function (PolyPhen-2) suggests that this variant is likely to be disruptive. In summary, the available evidence is currently insufficient to determine the role of this variant in disease. Therefore, it has been classified as a Variant of Uncertain Significance.

Blueprint Genetics
Classification: Likely pathogenic for DNAAF1-related disorders. Last evaluated: 2019-06-25. Review status: criteria provided, single submitter. Criteria: ACMG Guidelines, 2015. Collection method: clinical testing. Allele origin: germline. Affected: yes. Observed: 3 variant alleles.

Literature cited by the submitters: PubMed 34556108 (cited by Labcorp Genetics (formerly Invitae), Labcorp).